The following is an entry in ClinVar:

NM_024596.5(MCPH1):c.1921G>A (p.Gly641Arg)

Gene: MCPH1 (microcephalin 1; plus strand). Cytogenetic location: 8p23.1.
Variant type: single nucleotide variant.
Coding change: c.1921G>A on transcript NM_024596.5 (MANE Select); coding-DNA position 1921, G replaced by A.
Protein change: p.Gly641Arg; replaces glycine 641 with arginine.
Molecular consequence: missense variant.
Genome position (GRCh38, 1-based): chr8:6,455,238, G>A. VCF-style: chr8-6455238-G-A. GRCh37 (hg19) VCF-style: chr8-6312759-G-A.
Other names: c.1921G>A, p.Gly641Arg (NM_001322042.2, NM_001363979.1, NM_001363980.2 and 2 more transcripts); short protein forms G641R.
Identifiers: ClinVar variation 2431012 (VCV002431012.1), dbSNP rs763630479, ClinGen allele CA4610700.
Genomic context (GRCh38, chr8:6,455,238, plus strand): 5'-GATGACTCATGTGACGGCTTTAAGGACCTCATCAAACCTCATGAGGAATTGAAGAAAAGT[G>A]GGAGAGGCAAAAAGGTCAGTGTGTAAAAATATTATTTTAAACTTTCAAATGCTGATACAT-3'
Protein context (NP_078872.3, residues 631-651): IKPHEELKKS[Gly641Arg]RGKKPTRTLV

ClinVar aggregate classification (germline): Uncertain significance (1 of 4 stars; one submission).

Allele frequency attached by ClinVar (database versions not stated): TOPMed below 0.00001.
gnomAD v4.1: 12 of 1,612,230 alleles (0.00074%); highest among the groups gnomAD compares: South Asian, 0.012%; no homozygotes.

Submission:

GeneDx
Classification: Uncertain significance. Last evaluated: 2022-08-23. Review status: criteria provided, single submitter. Criteria: GeneDx Variant Classification Process June 2021. Collection method: clinical testing. Allele origin: germline. Affected: yes.
Comment: Not observed at significant frequency in large population cohorts (gnomAD); In silico analysis supports that this missense variant does not alter protein structure/function; Has not been previously published as pathogenic or benign to our knowledge